The following is an entry in ClinVar:

ClinVar aggregate classification (germline): Uncertain significance. Review status: criteria provided, multiple submitters, no conflicts (2 of 4 stars). 3 submissions from 3 submitters: Uncertain significance (3). Last evaluated 2025-07-27.

Conditions:
Hereditary cancer-predisposing syndrome. Also called: Tumor predisposition; Hereditary Cancer Syndrome; Neoplastic Syndromes, Hereditary; Hereditary neoplastic syndrome. Identifiers: Orphanet 140162, MedGen C0027672, MeSH D009386, MONDO:0015356.

Allele frequency attached by ClinVar (database versions not stated): TOPMed below 0.00001.

Submissions (3):

Quest Diagnostics Nichols Institute San Juan Capistrano
Classification: Uncertain significance. Last evaluated: 2025-07-27. Review status: criteria provided, single submitter. Criteria: Quest Diagnostics criteria. Collection method: clinical testing. Allele origin: unknown.
Comment: The HOXB13 c.287C>T (p.Ser96Leu) variant has not been reported in individuals with HOXB13-related conditions in the published literature. This variant has not been reported in large, multi-ethnic general populations (Genome Aggregation Database). Analysis of this variant using bioinformatics tools for the prediction of the effect of amino acid changes on protein structure and function yielded predictions that this variant is benign. Based on the available information, we are unable to determine the clinical significance of this variant.

Ambry Genetics
Classification: Uncertain significance for Hereditary cancer-predisposing syndrome. Last evaluated: 2025-01-13. Review status: criteria provided, single submitter. Criteria: Ambry Variant Classification Scheme 2023. Collection method: clinical testing. Allele origin: germline.
Comment: The p.S96L variant (also known as c.287C>T), located in coding exon 1 of the HOXB13 gene, results from a C to T substitution at nucleotide position 287. The serine at codon 96 is replaced by leucine, an amino acid with dissimilar properties. This amino acid position is well conserved in available vertebrate species. In addition, this alteration is predicted to be tolerated by in silico analysis. Since supporting evidence is limited at this time, the clinical significance of this alteration remains unclear.

Labcorp Genetics (formerly Invitae), Labcorp
Classification: Uncertain significance. Last evaluated: 2024-04-24. Review status: criteria provided, single submitter. Criteria: Invitae Variant Classification Sherloc (09022015). Collection method: clinical testing. Allele origin: germline.
Comment: This sequence change replaces serine, which is neutral and polar, with leucine, which is neutral and non-polar, at codon 96 of the HOXB13 protein (p.Ser96Leu). This variant is not present in population databases (gnomAD no frequency). This variant has not been reported in the literature in individuals affected with HOXB13-related conditions. ClinVar contains an entry for this variant (Variation ID: 821941). Advanced modeling of protein sequence and biophysical properties (such as structural, functional, and spatial information, amino acid conservation, physicochemical variation, residue mobility, and thermodynamic stability) performed at Invitae indicates that this missense variant is not expected to disrupt HOXB13 protein function with a negative predictive value of 80%. In summary, the available evidence is currently insufficient to determine the role of this variant in disease. Therefore, it has been classified as a Variant of Uncertain Significance.

NM_006361.6(HOXB13):c.287C>T (p.Ser96Leu)

Gene: HOXB13 (homeobox B13; minus strand). Cytogenetic location: 17q21.32.
Variant type: single nucleotide variant.
Coding change: c.287C>T on transcript NM_006361.6 (MANE Select); coding-DNA position 287, C replaced by T.
Protein change: p.Ser96Leu; replaces serine 96 with leucine.
Molecular consequence: missense variant.
Genome position (GRCh38, 1-based): chr17:48,728,307, G>A on the plus strand (C>T on the coding strand, the complement: HOXB13 is on the minus strand). VCF-style: chr17-48728307-G-A. GRCh37 (hg19) VCF-style: chr17-46805669-G-A.
Other names: short protein forms S96L.
Identifiers: ClinVar variation 821941 (VCV000821941.16), dbSNP rs1237713613, ClinGen allele CA400107761.